The following is an entry in ClinVar:

NM_024747.6(HPS6):c.1298G>A (p.Arg433Gln)

Gene: HPS6 (HPS6 biogenesis of lysosomal organelles complex 2 subunit 3; plus strand). Cytogenetic location: 10q24.32.
Variant type: single nucleotide variant.
Coding change: c.1298G>A on transcript NM_024747.6 (MANE Select); coding-DNA position 1298, G replaced by A.
Protein change: p.Arg433Gln; replaces arginine 433 with glutamine.
Molecular consequence: missense variant.
Genome position (GRCh38, 1-based): chr10:102,066,772, G>A. VCF-style: chr10-102066772-G-A. GRCh37 (hg19) VCF-style: chr10-103826529-G-A.
Other names: short protein forms R433Q.
Identifiers: ClinVar variation 1356332 (VCV001356332.6), dbSNP rs779995366, ClinGen allele CA5659961.

ClinVar aggregate classification (germline): Uncertain significance. Review status: criteria provided, multiple submitters, no conflicts (2 of 4 stars). 2 submissions from 2 submitters: Uncertain significance (2). Last evaluated 2026-01-19.

Allele frequency attached by ClinVar (database versions not stated): gnomAD 0.00003 and 0.00004; ExAC 0.00004; gnomAD exomes 0.00004 and 0.00006; TOPMed 0.00005.
gnomAD v4.1: 97 of 1,614,008 alleles (0.006%); highest among the groups gnomAD compares: Non-Finnish European, 0.007%; no homozygotes.

Submissions (2):

Labcorp Genetics (formerly Invitae), Labcorp
Classification: Uncertain significance. Last evaluated: 2026-01-19. Review status: criteria provided, single submitter. Criteria: Invitae Variant Classification Sherloc (09022015). Collection method: clinical testing. Allele origin: germline.
Comment: This sequence change replaces arginine, which is basic and polar, with glutamine, which is neutral and polar, at codon 433 of the HPS6 protein (p.Arg433Gln). This variant is present in population databases (rs779995366, gnomAD 0.02%), including at least one homozygous and/or hemizygous individual. This variant has not been reported in the literature in individuals affected with HPS6-related conditions. ClinVar contains an entry for this variant (Variation ID: 1356332). Invitae Evidence Modeling of protein sequence and biophysical properties (such as structural, functional, and spatial information, amino acid conservation, physicochemical variation, residue mobility, and thermodynamic stability) indicates that this missense variant is not expected to disrupt HPS6 protein function with a negative predictive value of 80%. In summary, the available evidence is currently insufficient to determine the role of this variant in disease. Therefore, it has been classified as a Variant of Uncertain Significance.

Blueprint Genetics
Classification: Uncertain significance. Last evaluated: 2021-11-10. Review status: criteria provided, single submitter. Criteria: ACMG Guidelines, 2015. Collection method: clinical testing. Allele origin: germline.